The following is an entry in ClinVar:

NM_007294.4(BRCA1):c.-5A>C

Gene: BRCA1 (BRCA1 DNA repair associated; minus strand). Cytogenetic location: 17q21.31.
Variant type: single nucleotide variant.
Coding change: c.-5A>C on transcript NM_007294.4 (MANE Select); 5 bases upstream of the start codon, A replaced by C.
Molecular consequence: 5 prime UTR variant. On other transcripts: non-coding transcript variant (1).
Genome position (GRCh38, 1-based): chr17:43,124,101, T>G on the plus strand (A>C on the coding strand, the complement: BRCA1 is on the minus strand). VCF-style: chr17-43124101-T-G. GRCh37 (hg19) VCF-style: chr17-41276118-T-G.
Other names: c.-5A>C (NM_001407674.1, NM_001407675.1, NM_001407676.1 and 193 more transcripts); c.-262A>C (NM_001407694.1, NM_001407724.1, NM_001407727.1 and 11 more transcripts); c.-266A>C (NM_001407695.1, NM_001408465.1); c.-407A>C (NM_001407696.1); c.-291A>C (NM_001407697.1, NM_001407846.1, NM_001407920.1); c.-92A>C (NM_001407698.1, NM_001407732.1, NM_001407736.1 and 23 more transcripts); c.-265A>C (NM_001407725.1, NM_001407730.1, NM_001407734.1 and 22 more transcripts); c.-211A>C (NM_001407726.1, NM_001407751.1); and 8 more.
Identifiers: ClinVar variation 869045 (VCV000869045.3), dbSNP rs1567823528, ClinGen allele CA916081143.

Conditions:
Breast-ovarian cancer, familial, susceptibility to, 1 (BROVCA1). Also called: BRCA1 Hereditary Breast and Ovarian Cancer; OVARIAN CANCER, SUSCEPTIBILITY TO. Identifiers: Orphanet 145, MedGen C2676676, MONDO:0011450, OMIM 604370. Disease mechanism: loss of function.

Submission:

Brotman Baty Institute, University of Washington
No classification provided (evidence only). Condition: Breast-ovarian cancer, familial 1. Review status: no classification provided. Collection method: in vitro. Allele origin: not applicable. Functional consequence: functionally_normal.
ClinVar note: "not provided" was previously submitted as the classification for the variant. However, the classification appeared to be based only on an observation of functional data so it was converted to no classification on 2025-07-30.